The following is an entry in ClinVar:

NM_000038.6(APC):c.1193A>C (p.Lys398Thr)

Gene: APC (APC regulator of Wnt signaling pathway; plus strand). Cytogenetic location: 5q22.2.
Variant type: single nucleotide variant.
Coding change: c.1193A>C on transcript NM_000038.6 (MANE Select); coding-DNA position 1193, A replaced by C.
Protein change: p.Lys398Thr; replaces lysine 398 with threonine.
Molecular consequence: missense variant. On other transcripts: non-coding transcript variant (2), intron variant (15).
Genome position (GRCh38, 1-based): chr5:112,819,225, A>C. VCF-style: chr5-112819225-A-C. GRCh37 (hg19) VCF-style: chr5-112154922-A-C.
Other names: c.1193A>C, p.Lys398Thr (NM_001354895.2, NM_001354896.2, NM_001407447.1 and 4 more transcripts); c.1223A>C, p.Lys408Thr (NM_001354897.2, NM_001407446.1); c.1118A>C, p.Lys373Thr (NM_001354898.2, NM_001407451.1); c.1109A>C, p.Lys370Thr (NM_001354899.2, NM_001407452.1); c.1016A>C, p.Lys339Thr (NM_001354900.2, NM_001354901.2, NM_001407453.1); c.344A>C, p.Lys115Thr (NM_001354906.2, NM_001407470.1); c.1139A>C, p.Lys380Thr (NM_001127511.3); c.85-44A>C (NM_001407472.1, NM_001407471.1); and 5 more; short protein forms K373T, K380T, K398T, K339T, K370T, K408T, K115T.
Identifiers: ClinVar variation 4825058 (VCV004825058.1).

ClinVar aggregate classification (germline): Uncertain significance (1 of 4 stars; one submission).

Conditions:
Hereditary cancer-predisposing syndrome. Also called: Neoplastic Syndromes, Hereditary; Tumor predisposition; Hereditary Cancer Syndrome; Hereditary neoplastic syndrome. Identifiers: Orphanet 140162, MedGen C0027672, MeSH D009386, MONDO:0015356.

Submission:

Ambry Genetics
Classification: Uncertain significance for Hereditary cancer-predisposing syndrome. Last evaluated: 2026-02-20. Review status: criteria provided, single submitter. Criteria: Ambry Variant Classification Scheme 2023. Collection method: clinical testing. Allele origin: germline.
Comment: The p.K398T variant (also known as c.1193A>C), located in coding exon 9 of the APC gene, results from an A to C substitution at nucleotide position 1193. The lysine at codon 398 is replaced by threonine, an amino acid with similar properties. This amino acid position is conserved. In addition, in silico predictors for this gene do not accurately predict pathogenicity. Based on the available evidence, the clinical significance of this variant remains unclear.